The following is an entry in ClinVar:

NM_004974.4(KCNA2):c.480del (p.Pro161fs)

Gene: KCNA2 (potassium voltage-gated channel subfamily A member 2; minus strand). Cytogenetic location: 1p13.3.
Variant type: Deletion.
Coding change: c.480del on transcript NM_004974.4 (MANE Select); coding-DNA position 480, one base deleted (G; older notation c.480delG).
Protein change: p.Pro161fs; shifts the reading frame from proline 161.
Molecular consequence: frameshift variant.
Genome position (GRCh38, 1-based): chr1:110,604,303, C deleted on the plus strand (G on the coding strand, the reverse complement: KCNA2 is on the minus strand); the first of 3 consecutive C bases (chr1:110,604,303-110,604,305); deleting any one gives the same sequence. VCF-style (leftmost placement, unchanged base first): chr1-110604302-GC-G. GRCh37 (hg19) VCF-style: chr1-111146924-GC-G.
Other names: c.480del, p.Pro161fs (NM_001204269.2); short protein forms P161fs.
Identifiers: ClinVar variation 2692512 (VCV002692512.1), dbSNP rs759757583, ClinGen allele CA1000710.

ClinVar aggregate classification (germline): Uncertain significance (1 of 4 stars; one submission).

Submission:

Greenwood Genetic Center Diagnostic Laboratories, Greenwood Genetic Center
Classification: Uncertain significance. Last evaluated: 2023-12-19. Review status: criteria provided, single submitter. Criteria: ACMG Guidelines, 2015. Collection method: clinical testing. Allele origin: germline. Affected: yes.
Comment: PM2